The following is an entry in ClinVar:

ClinVar aggregate classification (germline): Pathogenic (1 of 4 stars; one submission).

Conditions:
Hereditary cancer-predisposing syndrome. Also called: Hereditary neoplastic syndrome; Tumor predisposition; Hereditary Cancer Syndrome; Neoplastic Syndromes, Hereditary. Identifiers: Orphanet 140162, MedGen C0027672, MeSH D009386, MONDO:0015356.

Submission:

Ambry Genetics
Classification: Pathogenic for Hereditary cancer-predisposing syndrome. Last evaluated: 2023-07-11. Review status: criteria provided, single submitter. Criteria: Ambry Variant Classification Scheme 2023. Collection method: clinical testing. Allele origin: germline.
Comment: The c.2056dupG pathogenic mutation, located in coding exon 9 of the BRCA1 gene, results from a duplication of G at nucleotide position 2056, causing a translational frameshift with a predicted alternate stop codon (p.E686Gfs*5). This variant is considered to be rare based on population cohorts in the Genome Aggregation Database (gnomAD). This alteration is expected to result in loss of function by premature protein truncation or nonsense-mediated mRNA decay. As such, this alteration is interpreted as a disease-causing mutation.

NM_007294.4(BRCA1):c.2056dup (p.Glu686fs)

Gene: BRCA1 (BRCA1 DNA repair associated; minus strand). Cytogenetic location: 17q21.31.
Variant type: Duplication.
Coding change: c.2056dup on transcript NM_007294.4 (MANE Select); coding-DNA position 2056, one base duplicated (G; older notation c.2056dupG).
Protein change: p.Glu686fs; shifts the reading frame from glutamic acid 686.
Molecular consequence: frameshift variant. On other transcripts: intron variant (137).
Genome position (GRCh38, 1-based): chr17:43,093,475, C duplicated on the plus strand (G on the coding strand, the reverse complement: BRCA1 is on the minus strand). VCF-style (leftmost placement, unchanged base first): chr17-43093474-T-TC. GRCh37 (hg19) VCF-style: chr17-41245491-T-TC.
Other names: c.2053dup, p.Glu685fs (NM_001407644.1, NM_001407645.1, NM_001407860.1 and 22 more transcripts); c.2047dup, p.Glu683fs (NM_001407646.1, NM_001407647.1); c.1933dup, p.Glu645fs (NM_001407648.1, NM_001407664.1, NM_001407665.1 and 19 more transcripts); c.1930dup, p.Glu644fs (NM_001407649.1, NM_001407670.1, NM_001407671.1 and 11 more transcripts); c.2056dup, p.Glu686fs (NM_001407652.1, NM_001407684.1, NM_001407854.1 and 30 more transcripts); c.1978dup, p.Glu660fs (NM_001407653.1, NM_001407654.1, NM_001407655.1 and 4 more transcripts); c.1975dup, p.Glu659fs (NM_001407659.1, NM_001407660.1, NM_001407661.1 and 1 more transcripts); c.1915dup, p.Glu639fs (NM_001407692.1, NM_001407694.1, NM_001407695.1 and 29 more transcripts); and 41 more; short protein forms E575fs, E615fs, E616fs, E618fs, E619fs, E644fs, E660fs, E685fs.
Identifiers: ClinVar variation 2585825 (VCV002585825.2), dbSNP rs2469569614, ClinGen allele CA2582342177.